The following is an entry in ClinVar:

ClinVar aggregate classification (germline): Pathogenic/Likely pathogenic. Review status: criteria provided, multiple submitters, no conflicts (2 of 4 stars). 2 submissions from 2 submitters: Pathogenic (1); Likely pathogenic (1). Last evaluated 2023-11-10.

Conditions:
Leigh syndrome (NULS). Also called: Leigh Syndrome (mtDNA deletion); Leigh's syndrome; Leigh Disease; LEIGH SYNDROME, NUCLEAR; Leigh's necrotizing encephalopathy; Leigh's disease. Identifiers: Orphanet 506, MedGen C2931891, MONDO:0009723, OMIM 256000.

Submissions (2):

Labcorp Genetics (formerly Invitae), Labcorp
Classification: Pathogenic for Leigh syndrome. Last evaluated: 2023-11-10. Review status: criteria provided, single submitter. Criteria: Invitae Variant Classification Sherloc (09022015). Collection method: clinical testing. Allele origin: germline.
Comment: This sequence change affects a donor splice site in intron 8 of the SURF1 gene. While this variant is not anticipated to result in nonsense mediated decay, it likely alters RNA splicing and results in a disrupted protein product. This variant is not present in population databases (gnomAD no frequency). Disruption of this splice site has been observed in individual(s) with Leigh syndrome (PMID: 22488715). ClinVar contains an entry for this variant (Variation ID: 1683295). Variants that disrupt the consensus splice site are a relatively common cause of aberrant splicing (PMID: 17576681, 9536098). Algorithms developed to predict the effect of sequence changes on RNA splicing suggest that this variant may disrupt the consensus splice site. This variant disrupts a region of the SURF1 protein in which other variant(s) (p.Ser282Cysfs*9) have been determined to be pathogenic (PMID: 9837813, 16326995, 18583168, 22488715, 23829769). This suggests that this is a clinically significant region of the protein, and that variants that disrupt it are likely to be disease-causing. For these reasons, this variant has been classified as Pathogenic.

Women's Health and Genetics/Laboratory Corporation of America, LabCorp
Classification: Likely pathogenic for Leigh syndrome. Last evaluated: 2022-04-14. Review status: criteria provided, single submitter. Criteria: LabCorp Variant Classification Summary - May 2015. Collection method: clinical testing. Allele origin: germline.
Comment: Variant summary: SURF1 c.833+1G>C is located in a canonical splice-site and is predicted to affect mRNA splicing resulting in a significantly altered protein due to either exon skipping, shortening, or inclusion of intronic material. Several computational tools predict a significant impact on normal splicing: four predict the variant abolishes a 5' splicing donor site. However, these predictions have yet to be confirmed by functional studies. The variant was absent in 246384 control chromosomes (gnomAD). To our knowledge, no occurrence of c.833+1G>C in individuals affected with Leigh Syndrome and no experimental evidence demonstrating its impact on protein function have been reported. Another variant affecting the same nucleotide (c.833+1G>A) is classified as pathogenic by our laboratory. No clinical diagnostic laboratories have submitted clinical-significance assessments for this variant to ClinVar after 2014. Based on the evidence outlined above, the variant was classified as likely pathogenic.

Literature cited by the submitters: PubMed 22488715 (cited by Labcorp Genetics (formerly Invitae), Labcorp); PubMed 17576681 (cited by Labcorp Genetics (formerly Invitae), Labcorp); PubMed 9536098 (cited by Labcorp Genetics (formerly Invitae), Labcorp); PubMed 9837813 (cited by Labcorp Genetics (formerly Invitae), Labcorp); PubMed 16326995 (cited by Labcorp Genetics (formerly Invitae), Labcorp); PubMed 18583168 (cited by Labcorp Genetics (formerly Invitae), Labcorp); PubMed 23829769 (cited by Labcorp Genetics (formerly Invitae), Labcorp).

NM_003172.4(SURF1):c.833+1G>C

Gene: SURF1 (SURF1 cytochrome c oxidase assembly factor; minus strand). Cytogenetic location: 9q34.2.
Variant type: single nucleotide variant.
Coding change: c.833+1G>C on transcript NM_003172.4 (MANE Select); the canonical splice donor site of the intron after coding-DNA position 833, G replaced by C.
Molecular consequence: splice donor variant.
Genome position (GRCh38, 1-based): chr9:133,352,060, C>G on the plus strand (G>C on the coding strand, the complement: SURF1 is on the minus strand). VCF-style: chr9-133352060-C-G. GRCh37 (hg19) VCF-style: chr9-136218915-C-G.
Other names: c.506+1G>C (NM_001280787.1).
Identifiers: ClinVar variation 1683295 (VCV001683295.4), dbSNP rs782609482, ClinGen allele CA375693424.